The following is an entry in ClinVar:

NM_001082486.1(ACD):c.181C>T (p.Pro61Ser)

Gene: ACD (ACD shelterin complex subunit and telomerase recruitment factor; minus strand). Cytogenetic location: 16q22.1.
Variant type: single nucleotide variant.
Coding change: c.181C>T on transcript NM_001082486.1; coding-DNA position 181, C replaced by T.
Protein change: p.Pro61Ser; replaces proline 61 with serine.
Genome position (GRCh38, 1-based): chr16:67,660,298, G>A on the plus strand (C>T on the coding strand, the complement: ACD is on the minus strand). VCF-style: chr16-67660298-G-A. GRCh37 (hg19) VCF-style: chr16-67694201-G-A.
Other names: short protein forms P61S.
Identifiers: ClinVar variation 2452447 (VCV002452447.2), dbSNP rs2543612346, ClinGen allele CA396359488.

ClinVar aggregate classification (germline): Uncertain significance (1 of 4 stars; one submission).

Conditions:
Inborn genetic diseases. Identifiers: MedGen C0950123, MeSH D030342.

Allele frequency attached by ClinVar (database versions not stated): gnomAD exomes below 0.00001.

Submission:

Ambry Genetics
Classification: Uncertain significance for Inborn genetic diseases. Last evaluated: 2022-12-31. Review status: criteria provided, single submitter. Criteria: Ambry Variant Classification Scheme 2023. Collection method: clinical testing. Allele origin: germline.
Comment: The p.P61S variant (also known as c.181C>T), located in coding exon 1 of the ACD gene, results from a C to T substitution at nucleotide position 181. The proline at codon 61 is replaced by serine, an amino acid with similar properties. This amino acid position is conserved. In addition, this alteration is predicted to be tolerated by in silico analysis. Since supporting evidence is limited at this time, the clinical significance of this alteration remains unclear.